The following is an entry in ClinVar:

NM_002408.4(MGAT2):c.275G>T (p.Arg92Leu)

Gene: MGAT2 (alpha-1,6-mannosyl-glycoprotein 2-beta-N-acetylglucosaminyltransferase; plus strand). Cytogenetic location: 14q21.3.
Variant type: single nucleotide variant.
Coding change: c.275G>T on transcript NM_002408.4 (MANE Select); coding-DNA position 275, G replaced by T.
Protein change: p.Arg92Leu; replaces arginine 92 with leucine.
Molecular consequence: missense variant.
Genome position (GRCh38, 1-based): chr14:49,621,543, G>T. VCF-style: chr14-49621543-G-T. GRCh37 (hg19) VCF-style: chr14-50088261-G-T.
Other names: short protein forms R92L.
Identifiers: ClinVar variation 1045858 (VCV001045858.8), dbSNP rs767110185, ClinGen allele CA7172513.

ClinVar aggregate classification (germline): Uncertain significance (1 of 4 stars; one submission).

Conditions:
MGAT2-congenital disorder of glycosylation. Also called: Congenital disorder of glycosylation, type IIa; MGAT2-CDG; CDG IIa; MENTAL RETARDATION, GROWTH RETARDATION, PROMINENT COLUMELLA, AND OPEN MOUTH; Alkuraya syndrome. Identifiers: Orphanet 79329, MedGen C2931008, MONDO:0008908, OMIM 212066.

Allele frequency attached by ClinVar (database versions not stated): TOPMed below 0.00001; gnomAD 0.00001 and 0.00002; gnomAD exomes 0.00001; ExAC 0.00002.

Submission:

Labcorp Genetics (formerly Invitae), Labcorp
Classification: Uncertain significance for MGAT2-congenital disorder of glycosylation. Last evaluated: 2023-10-13. Review status: criteria provided, single submitter. Criteria: Invitae Variant Classification Sherloc (09022015). Collection method: clinical testing. Allele origin: germline.
Comment: This sequence change replaces arginine, which is basic and polar, with leucine, which is neutral and non-polar, at codon 92 of the MGAT2 protein (p.Arg92Leu). This variant is present in population databases (rs767110185, gnomAD 0.003%). This variant has not been reported in the literature in individuals affected with MGAT2-related conditions. ClinVar contains an entry for this variant (Variation ID: 1045858). Advanced modeling of protein sequence and biophysical properties (such as structural, functional, and spatial information, amino acid conservation, physicochemical variation, residue mobility, and thermodynamic stability) performed at Invitae indicates that this missense variant is not expected to disrupt MGAT2 protein function. In summary, the available evidence is currently insufficient to determine the role of this variant in disease. Therefore, it has been classified as a Variant of Uncertain Significance.